The following is an entry in ClinVar:

ClinVar aggregate classification (germline): Likely pathogenic (1 of 4 stars; one submission).

Conditions:
Hypoparathyroidism, deafness, renal disease syndrome (HDRS). Also called: HYPOPARATHYROIDISM, SENSORINEURAL DEAFNESS, AND RENAL DYSPLASIA SYNDROME. Identifiers: Orphanet 2237, MedGen C1840333, MONDO:0007797, OMIM 146255.

Submission:

Institute of Rare Diseases, West China Hospital, Sichuan University
Classification: Likely pathogenic for Hypoparathyroidism, deafness, renal disease syndrome. Last evaluated: 2025-01-09. Review status: criteria provided, single submitter. Criteria: ClinGen HL ACMG Specifications v1. Collection method: research. Allele origin: germline. Affected: yes.
Comment: PVS1;PM2_Supporting

NM_001002295.2(GATA3):c.186dup (p.Tyr63fs)

Genes: GATA3 (GATA binding protein 3; plus strand), LOC130003278 (ATAC-STARR-seq lymphoblastoid silent region 2118; plus strand). Cytogenetic location: 10p14.
Variant type: Duplication.
Coding change: c.186dup on transcript NM_001002295.2 (MANE Select); coding-DNA position 186, one base duplicated (C; older notation c.186dupC).
Protein change: p.Tyr63fs; shifts the reading frame from tyrosine 63.
Molecular consequence: frameshift variant.
Genome position (GRCh38, 1-based): chr10:8,055,841, C duplicated; the last of 3 consecutive C bases (chr10:8,055,839-8,055,841); duplicating any one gives the same sequence. VCF-style (leftmost placement, unchanged base first): chr10-8055838-G-GC. GRCh37 (hg19) VCF-style: chr10-8097801-G-GC.
Other names: c.186dup, p.Tyr63fs (NM_002051.3); short protein forms Y63fs.
Identifiers: ClinVar variation 3601130 (VCV003601130.1).